The following is an entry in ClinVar:

NM_001042492.3(NF1):c.6428-1del

Gene: NF1 (neurofibromin 1; plus strand). Cytogenetic location: 17q11.2.
Variant type: Deletion.
Coding change: c.6428-1del on transcript NM_001042492.3 (MANE Select); the canonical splice acceptor site of the intron before coding-DNA position 6428, one base deleted (G; older notation c.6428-1delG).
Molecular consequence: splice acceptor variant.
Genome position (GRCh38, 1-based): chr17:31,337,367, G deleted. VCF-style (leftmost placement, unchanged base first): chr17-31337366-AG-A. GRCh37 (hg19) VCF-style: chr17-29664384-AG-A.
Other names: c.6365-1del (NM_000267.4); c.6365-1delG (NM_000267.3).
Identifiers: ClinVar variation 2009039 (VCV002009039.5), dbSNP rs2508752816, ClinGen allele CA2580093359.

ClinVar aggregate classification (germline): Likely pathogenic. Review status: criteria provided, multiple submitters, no conflicts (2 of 4 stars). 2 submissions from 2 submitters: Likely pathogenic (2). Last evaluated 2024-09-12.

Conditions:
Hereditary cancer-predisposing syndrome. Also called: Neoplastic Syndromes, Hereditary; Hereditary neoplastic syndrome; Tumor predisposition; Hereditary Cancer Syndrome. Identifiers: Orphanet 140162, MedGen C0027672, MeSH D009386, MONDO:0015356.
Cardiovascular phenotype. Identifiers: MedGen CN230736.
Neurofibromatosis, type 1 (NF1). Also called: Neurofibromatosis, type I; Peripheral type neurofibromatosis; VON RECKLINGHAUSEN DISEASE; NEUROFIBROMATOSIS, TYPE I, SOMATIC. Identifiers: Orphanet 636, MedGen C0027831, MONDO:0018975, OMIM 162200. Disease mechanism: loss of function.

Submissions (2):

Ambry Genetics
Classification: Likely pathogenic for Cardiovascular phenotype; Hereditary cancer-predisposing syndrome. Last evaluated: 2024-09-12. Review status: criteria provided, single submitter. Criteria: Ambry Variant Classification Scheme 2023. Collection method: clinical testing. Allele origin: germline.
Comment: The c.6365-1delG intronic variant, located in intron 41 of the NF1 gene, results from a deletion of one nucleotide within intron 41 of the NF1 gene. Another alteration impacting the same acceptor site (c.6365-2A>G) has been reported in at least one individual with features of NF1-related disease (Rojnueangnit K et al. Hum Mutat 2015 Nov;36(11):1052-63). This variant is considered to be rare based on population cohorts in the Genome Aggregation Database (gnomAD). This nucleotide position is highly conserved in available vertebrate species. In silico splice site analysis predicts that this alteration will weaken the native splice acceptor site and may result in the creation or strengthening of a novel splice acceptor site. Alterations that disrupt the canonical splice site are expected to cause aberrant splicing, resulting in an abnormal protein or a transcript that is subject to nonsense-mediated mRNA decay. As such, this alteration is classified as likely pathogenic.

Labcorp Genetics (formerly Invitae), Labcorp
Classification: Likely pathogenic for Neurofibromatosis, type 1. Last evaluated: 2022-06-22. Review status: criteria provided, single submitter. Criteria: Invitae Variant Classification Sherloc (09022015). Collection method: clinical testing. Allele origin: germline.
Comment: In summary, the currently available evidence indicates that the variant is pathogenic, but additional data are needed to prove that conclusively. Therefore, this variant has been classified as Likely Pathogenic. Algorithms developed to predict the effect of sequence changes on RNA splicing suggest that this variant may disrupt the consensus splice site. This variant has not been reported in the literature in individuals affected with NF1-related conditions. This variant is not present in population databases (gnomAD no frequency). This sequence change affects a splice site in intron 41 of the NF1 gene. It is expected to disrupt RNA splicing. Variants that disrupt the donor or acceptor splice site typically lead to a loss of protein function (PMID: 16199547), and loss-of-function variants in NF1 are known to be pathogenic (PMID: 10712197, 23913538).

Literature cited by the submitters: PubMed 16199547 (cited by Labcorp Genetics (formerly Invitae), Labcorp); PubMed 10712197 (cited by Labcorp Genetics (formerly Invitae), Labcorp); PubMed 23913538 (cited by Labcorp Genetics (formerly Invitae), Labcorp).